The following is an entry in ClinVar:

NM_001379291.1(BRD4):c.1752-12G>T

Gene: BRD4 (bromodomain containing 4; minus strand). Cytogenetic location: 19p13.12.
Variant type: single nucleotide variant.
Coding change: c.1752-12G>T on transcript NM_001379291.1 (MANE Select); 12 bases into the intron before coding-DNA position 1752, G replaced by T.
Molecular consequence: intron variant.
Genome position (GRCh38, 1-based): chr19:15,255,604, C>A on the plus strand (G>T on the coding strand, the complement: BRD4 is on the minus strand). VCF-style: chr19-15255604-C-A. GRCh37 (hg19) VCF-style: chr19-15366415-C-A.
Other names: c.1752-12G>T (NM_058243.3, NM_001379292.1, NM_014299.3 and 1 more transcripts).
Identifiers: ClinVar variation 2859064 (VCV002859064.3), dbSNP rs199945643, ClinGen allele CA9265278.

ClinVar aggregate classification (germline): Uncertain significance (1 of 4 stars; one submission).

gnomAD v4.1: 2 of 1,594,520 alleles (0.00013%); highest among the groups gnomAD compares: Admixed American, 0.0034%; no homozygotes.

Submission:

Labcorp Genetics (formerly Invitae), Labcorp
Classification: Uncertain significance. Last evaluated: 2023-08-30. Review status: criteria provided, single submitter. Criteria: Invitae Variant Classification Sherloc (09022015). Collection method: clinical testing. Allele origin: germline.
Comment: This sequence change falls in intron 9 of the BRD4 gene. It does not directly change the encoded amino acid sequence of the BRD4 protein. This variant is present in population databases (rs199945643, gnomAD 0.006%). This variant has not been reported in the literature in individuals affected with BRD4-related conditions. Algorithms developed to predict the effect of sequence changes on RNA splicing suggest that this variant may disrupt the consensus splice site. In summary, the available evidence is currently insufficient to determine the role of this variant in disease. Therefore, it has been classified as a Variant of Uncertain Significance.